The following is an entry in ClinVar:

NM_207122.2(EXT2):c.50G>A (p.Arg17Lys)

Gene: EXT2 (exostosin glycosyltransferase 2; plus strand). Cytogenetic location: 11p11.2.
Variant type: single nucleotide variant.
Coding change: c.50G>A on transcript NM_207122.2 (MANE Select); coding-DNA position 50, G replaced by A.
Protein change: p.Arg17Lys; replaces arginine 17 with lysine.
Molecular consequence: missense variant.
Genome position (GRCh38, 1-based): chr11:44,107,762, G>A. VCF-style: chr11-44107762-G-A. GRCh37 (hg19) VCF-style: chr11-44129312-G-A.
Other names: c.149G>A, p.Arg50Lys (NM_000401.3); c.50G>A, p.Arg17Lys (NM_001178083.3, NM_001389628.1, NM_001389630.1); short protein forms R50K, R17K.
Identifiers: ClinVar variation 878115 (VCV000878115.6), dbSNP rs1240693088, ClinGen allele CA380179506.
Genomic context (GRCh38, chr11:44,107,762, plus strand): 5'-TCTGTGTCATTATGTGTGCGTCGGTCAAGTATAATATCCGGGGTCCTGCCCTCATCCCAA[G>A]AATGAAGACCAAGCACCGAATCTACTATATCACCCTCTTCTCCATTGTCCTCCTGGGCCT-3'
Protein context (NP_997005.1, residues 7-27): YNIRGPALIP[Arg17Lys]MKTKHRIYYI

ClinVar aggregate classification (germline): Uncertain significance. Review status: criteria provided, multiple submitters, no conflicts (2 of 4 stars). 3 submissions from 3 submitters: Uncertain significance (3). Last evaluated 2026-10-01.

Conditions:
Exostoses, multiple, type 2 (EXT2). Also called: EXOSTOSES, MULTIPLE, TYPE II; Hereditary Multiple Osteochondromatosis, Type II. Identifiers: Orphanet 321, MedGen C1851413, MONDO:0007586, OMIM 133701.

Allele frequency attached by ClinVar (database versions not stated): gnomAD exomes below 0.00001.
gnomAD v4.1: 2 of 1,614,176 alleles (0.00012%); highest among the groups gnomAD compares: Non-Finnish European, 0.00017%; no homozygotes.

Submissions (3):

St. Jude Molecular Pathology, St. Jude Children's Research Hospital
Classification: Uncertain significance for Exostoses, multiple, type 2. Last evaluated: 2026-10-01. Review status: criteria provided, single submitter. Criteria: St. Jude Assertion Criteria 2020. Collection method: clinical testing. Allele origin: germline.
Comment: The EXT2 c.149G>A p.(Arg50Lys) missense change is absent in gnomAD v2.1.1. The in silico tool REVEL is inconclusive about a pathogenic or benign effect of this variant on protein function, and to our knowledge functional s tudies have not been performed. To our knowledge, this variant has not been reported in individuals with hereditary multiple exostoses. In summary, the evidence currently available is insufficient to determine the clinical significance of this variant. I t has therefore been classified as of uncertain significance.

Baylor Genetics
Classification: Uncertain significance for Exostoses, multiple, type 2. Last evaluated: 2023-09-17. Review status: criteria provided, single submitter. Criteria: ACMG Guidelines, 2015. Collection method: clinical testing. Allele origin: unknown.

Illumina Laboratory Services, Illumina
Classification: Uncertain significance for Exostoses, multiple, type 2. Last evaluated: 2018-01-13. Review status: criteria provided, single submitter. Criteria: ICSL Variant Classification Criteria 13 December 2019. Collection method: clinical testing. Allele origin: germline.